The following is an entry in ClinVar:

ClinVar aggregate classification (germline): Uncertain significance (1 of 4 stars; one submission).

Allele frequency attached by ClinVar (database versions not stated): gnomAD exomes below 0.00001; ExAC 0.00001; ESP Exome Variant Server 0.00008.
gnomAD v4.1: 7 of 1,614,096 alleles (0.00043%); highest among the groups gnomAD compares: Non-Finnish European, 0.00059%; no homozygotes.

Submission:

Labcorp Genetics (formerly Invitae), Labcorp
Classification: Uncertain significance. Last evaluated: 2022-11-11. Review status: criteria provided, single submitter. Criteria: Invitae Variant Classification Sherloc (09022015). Collection method: clinical testing. Allele origin: germline.
Comment: In summary, the available evidence is currently insufficient to determine the role of this variant in disease. Therefore, it has been classified as a Variant of Uncertain Significance. Advanced modeling of protein sequence and biophysical properties (such as structural, functional, and spatial information, amino acid conservation, physicochemical variation, residue mobility, and thermodynamic stability) performed at Invitae indicates that this missense variant is expected to disrupt ANK3 protein function. This sequence change replaces aspartic acid, which is acidic and polar, with tyrosine, which is neutral and polar, at codon 3623 of the ANK3 protein (p.Asp3623Tyr). This variant has not been reported in the literature in individuals affected with ANK3-related conditions. This variant is present in population databases (rs368045259, gnomAD 0.002%).

NM_020987.5(ANK3):c.10867G>T (p.Asp3623Tyr)

Gene: ANK3 (ankyrin 3; minus strand). Cytogenetic location: 10q21.2.
Variant type: single nucleotide variant.
Coding change: c.10867G>T on transcript NM_020987.5 (MANE Select); coding-DNA position 10867, G replaced by T.
Protein change: p.Asp3623Tyr; replaces aspartic acid 3623 with tyrosine.
Molecular consequence: missense variant. On other transcripts: intron variant (4).
Genome position (GRCh38, 1-based): chr10:60,070,014, C>A on the plus strand (G>T on the coding strand, the complement: ANK3 is on the minus strand). VCF-style: chr10-60070014-C-A. GRCh37 (hg19) VCF-style: chr10-61829772-C-A.
Other names: c.4388-2005G>T (NM_001204403.2); c.4409-2005G>T (NM_001204404.2); c.4406-2005G>T (NM_001320874.2); c.1808-2005G>T (NM_001149.4); short protein forms D3623Y.
Identifiers: ClinVar variation 1943312 (VCV001943312.5), dbSNP rs368045259, ClinGen allele CA5511190.